The following is an entry in ClinVar:

ClinVar aggregate classification (germline): Likely benign. Review status: criteria provided, multiple submitters, no conflicts (2 of 4 stars). 2 submissions from 2 submitters: Likely benign (2). Last evaluated 2024-02-05.

Conditions:
Malignant hyperthermia, susceptibility to, 1 (MHS1). Also called: Anesthesia related hyperthermia; Malignant hyperpyrexia; Fulminating hyperpyrexia; Pharmacogenic myopathy; RYR1-Related Malignant Hyperthermia Susceptibility; Malignant hyperthermia suceptibility 1. Identifiers: Orphanet 423, MedGen C2930980, MONDO:0007783, OMIM 145600.

Submissions (2):

All of Us Research Program, National Institutes of Health
Classification: Likely benign for Malignant hyperthermia, susceptibility to, 1. Last evaluated: 2024-02-05. Review status: criteria provided, single submitter. Criteria: ACMG Guidelines, 2015. Collection method: clinical testing. Allele origin: germline. Inheritance: Autosomal dominant inheritance. Observed: 1 variant allele, 1 heterozygote.
Comment: This study involves interpretation of variants in research participants for the purpose of population health screening. Participant phenotype was not available at the time of variant classification. Additional details can be found in publication PMID: 35346344, PMCID: PMC8962531

Color Diagnostics, LLC DBA Color Health
Classification: Likely benign for Malignant hyperthermia, susceptibility to, 1. Last evaluated: 2024-01-25. Review status: criteria provided, single submitter. Criteria: ACMG Guidelines, 2015. Collection method: clinical testing. Allele origin: germline.

NM_000540.3(RYR1):c.12036G>T (p.Leu4012=)

Gene: RYR1 (ryanodine receptor 1; plus strand). Cytogenetic location: 19q13.2.
Variant type: single nucleotide variant.
Coding change: c.12036G>T on transcript NM_000540.3 (MANE Select); coding-DNA position 12036, G replaced by T.
Protein change: p.Leu4012=; no amino-acid change (leucine 4012 retained).
Molecular consequence: synonymous variant.
Genome position (GRCh38, 1-based): chr19:38,546,468, G>T. VCF-style: chr19-38546468-G-T. GRCh37 (hg19) VCF-style: chr19-39037108-G-T.
Other names: c.12021G>T, p.Leu4007= (NM_001042723.2).
Identifiers: ClinVar variation 3075414 (VCV003075414.2), dbSNP rs922413679, ClinGen allele CA507242861.
Genomic context (GRCh38, chr19:38,546,468, plus strand): 5'-ATGCTGAGACCAGCCCTCACCGAGCTGGGATCTCTAGGACTCAAGCCAGATCGAGCTGCT[G>T]AAGGAGCTGCTGGATCTGCAGAAGGACATGGTGGTGATGTTGCTGTCGCTACTAGAAGGT-3'
Protein context (NP_000531.2, residues 4002-4022): LAQDSSQIEL[Leu4012=]KELLDLQKDM